The following is an entry in ClinVar:

ClinVar aggregate classification (germline): Benign (1 of 4 stars; one submission).

Conditions:
Hereditary angioedema type 1 (HAE1). Identifiers: Orphanet 100050, Orphanet 100051, Orphanet 91378, MedGen C2717906, MONDO:0015053, OMIM 106100.

Allele frequency attached by ClinVar (database versions not stated): 1000 Genomes Project 0.14896; 1000 Genomes Project 30x 0.15100; TOPMed 0.19602; gnomAD 0.21134 and 0.21292.
gnomAD v4.1: 32,216 of 152,064 alleles (21%); highest among the groups gnomAD compares: Non-Finnish European, 27%; 3,912 homozygotes.

Submission:

CeMIA
Classification: Benign for Hereditary angioedema type 1. Review status: criteria provided, single submitter. Criteria: ACMG Guidelines, 2015. Collection method: clinical testing. Allele origin: germline. Affected: yes.
Comment: This variant is considered likely benign or benign based on one or more of the following criteria: allele frequency is >5% in Exome Sequencing Project, 1000 Genomes Project, or Exome Aggregation Consortium (BA1), allele frequency is greater than expected for disorder (BS1), it is observed in a healthy adult individual (BS2), it is predicted to be benign by multiple in silico algorithms (BP4), it is found in a case with an alternate molecular basis for the disease (BP5) and/or reputable source recently reports variant as benign (BP6).

Literature cited by the submitters: PubMed 31959500.

NM_000062.3(SERPING1):c.1029+851C>G

Gene: SERPING1 (serpin family G member 1; plus strand). Cytogenetic location: 11q12.1.
Variant type: single nucleotide variant.
Coding change: c.1029+851C>G on transcript NM_000062.3 (MANE Select); 851 bases into the intron after coding-DNA position 1029, C replaced by G.
Molecular consequence: intron variant.
Genome position (GRCh38, 1-based): chr11:57,607,398, C>G. VCF-style: chr11-57607398-C-G. GRCh37 (hg19) VCF-style: chr11-57374871-C-G.
Other names: c.1029+851C>G (NM_001032295.2).
Identifiers: ClinVar variation 983255 (VCV000983255.2), dbSNP rs11229066, ClinGen allele CA15685838.